The following is an entry in ClinVar:

NM_031475.3(ESPN):c.677del (p.Val226fs)

Gene: ESPN (espin; plus strand). Cytogenetic location: 1p36.31.
Variant type: Deletion.
Coding change: c.677del on transcript NM_031475.3 (MANE Select); coding-DNA position 677, one base deleted (T; older notation c.677delT).
Protein change: p.Val226fs; shifts the reading frame from valine 226.
Molecular consequence: frameshift variant.
Genome position (GRCh38, 1-based): chr1:6,440,627, T deleted. VCF-style (leftmost placement, unchanged base first): chr1-6440626-GT-G. GRCh37 (hg19) VCF-style: chr1-6500686-GT-G.
Other names: c.677del, p.Val226fs (NM_001367473.1, NM_001367474.1); short protein forms V226fs.
Identifiers: ClinVar variation 3075865 (VCV003075865.1), dbSNP rs2522812173, ClinGen allele CA2642974775.

ClinVar aggregate classification (germline): Likely pathogenic (1 of 4 stars; one submission).

Conditions:
Rare genetic deafness. Identifiers: Orphanet 96210, MedGen C5680250.

Submission:

Laboratory for Molecular Medicine, Mass General Brigham Personalized Medicine
Classification: Likely pathogenic for Rare genetic deafness. Last evaluated: 2022-06-30. Review status: criteria provided, single submitter. Criteria: ACMG Guidelines, 2015. Collection method: clinical testing. Allele origin: germline.
Comment: The p.Val226GlyfsX6 variant in ESPN has not been previously reported in individuals with nonsyndromic hearing loss and was absent from large population studies. This variant is predicted to cause a frameshift, which alters the protein’s amino acid sequence beginning at position 226 and leads to a premature termination codon 6 amino acids downstream. Loss of function of the ESPN gene is an established disease mechanism in autosomal recessive nonsyndromic hearing loss. In summary, although additional studies are required to fully establish its clinical significance, this variant meets criteria to be classified as likely pathogenic for autosomal recessive nonsyndromic hearing loss. ACMG/AMP Criteria applied: PVS1, PM2_Supporting.